The following is an entry in ClinVar:

ClinVar aggregate classification (germline): Conflicting classifications of pathogenicity. Review status: criteria provided, conflicting classifications (1 of 4 stars). 4 submissions from 3 submitters: Uncertain significance (3); Likely benign (1). Last evaluated 2026-01-16.

Conditions:
Amyotrophic lateral sclerosis type 1 (ALS1). Also called: AMYOTROPHIC LATERAL SCLEROSIS 1, FAMILIAL. Identifiers: Orphanet 803, MedGen C1862939, MONDO:0007103, OMIM 105400.
Perry syndrome. Also called: PARKINSONISM WITH ALVEOLAR HYPOVENTILATION AND MENTAL DEPRESSION. Identifiers: Orphanet 178509, MedGen C1868594, MONDO:0008201, OMIM 168605.
Neuronopathy, distal hereditary motor, type 7B. Also called: HMN VIIB; LOWER MOTOR NEURON DISEASE, DYNACTIN TYPE; Distal Hereditary Motor Neuronopathy Type 7B (dHMN7B); NEURONOPATHY, DISTAL HEREDITARY MOTOR, AUTOSOMAL DOMINANT 14; NEURONOPATHY, DISTAL HEREDITARY MOTOR, HARDING TYPE VIIB; NEUROPATHY, DISTAL HEREDITARY MOTOR, HARDING TYPE VIIB. Identifiers: Orphanet 139589, MedGen C1843315, MONDO:0011879, OMIM 607641.

Allele frequency attached by ClinVar (database versions not stated): gnomAD 0.00001; gnomAD exomes 0.00002; TOPMed 0.00002; ExAC 0.00003.
gnomAD v4.1: 11 of 1,613,952 alleles (0.00068%); highest among the groups gnomAD compares: African/African-American, 0.0013%; no homozygotes.

Submissions (4):

Labcorp Genetics (formerly Invitae), Labcorp
Classification: Uncertain significance for Amyotrophic lateral sclerosis type 1; Neuronopathy, distal hereditary motor, type 7B; Perry syndrome. Last evaluated: 2026-01-16. Review status: criteria provided, single submitter. Criteria: Invitae Variant Classification Sherloc (09022015). Collection method: clinical testing. Allele origin: germline.
Comment: This sequence change replaces isoleucine, which is neutral and non-polar, with valine, which is neutral and non-polar, at codon 1063 of the DCTN1 protein (p.Ile1063Val). This variant is present in population databases (rs759276455, gnomAD 0.004%). This variant has not been reported in the literature in individuals affected with DCTN1-related conditions. ClinVar contains an entry for this variant (Variation ID: 898514). Invitae Evidence Modeling of protein sequence and biophysical properties (such as structural, functional, and spatial information, amino acid conservation, physicochemical variation, residue mobility, and thermodynamic stability) indicates that this missense variant is not expected to disrupt DCTN1 protein function with a negative predictive value of 95%. In summary, the available evidence is currently insufficient to determine the role of this variant in disease. Therefore, it has been classified as a Variant of Uncertain Significance.

Mayo Clinic Laboratories, Mayo Clinic
Classification: Likely benign. Last evaluated: 2025-09-24. Review status: criteria provided, single submitter. Criteria: ACMG Guidelines, 2015. Collection method: clinical testing. Allele origin: germline. Observed: 2 variant alleles.
Comment: BS2, BP4_moderate

Illumina Laboratory Services, Illumina
Classification: Uncertain significance for Perry syndrome. Last evaluated: 2018-01-13. Review status: criteria provided, single submitter. Criteria: ICSL Variant Classification Criteria 13 December 2019. Collection method: clinical testing. Allele origin: germline.

Illumina Laboratory Services, Illumina
Classification: Uncertain significance for Neuronopathy, distal hereditary motor, type 7B. Last evaluated: 2018-01-13. Review status: criteria provided, single submitter. Criteria: ICSL Variant Classification Criteria 13 December 2019. Collection method: clinical testing. Allele origin: germline.

NM_004082.5(DCTN1):c.3187A>G (p.Ile1063Val)

Gene: DCTN1 (dynactin subunit 1; minus strand). Cytogenetic location: 2p13.1.
Variant type: single nucleotide variant.
Coding change: c.3187A>G on transcript NM_004082.5 (MANE Select); coding-DNA position 3187, A replaced by G.
Protein change: p.Ile1063Val; replaces isoleucine 1063 with valine.
Molecular consequence: missense variant. On other transcripts: non-coding transcript variant (1).
Genome position (GRCh38, 1-based): chr2:74,365,084, T>C on the plus strand (A>G on the coding strand, the complement: DCTN1 is on the minus strand). VCF-style: chr2-74365084-T-C. GRCh37 (hg19) VCF-style: chr2-74592211-T-C.
Other names: p.Ile1063Val; c.3127A>G, p.Ile1043Val (NM_001135040.3); c.2785A>G, p.Ile929Val (NM_001135041.3, NM_023019.4); c.3076A>G, p.Ile1026Val (NM_001190836.2); c.3166A>G, p.Ile1056Val (NM_001190837.2); c.3136A>G, p.Ile1046Val (NM_001378991.1); c.3118A>G, p.Ile1040Val (NM_001378992.1); short protein forms I1056V, I929V, I1026V, I1043V, I1063V, I1040V, I1046V.
Identifiers: ClinVar variation 898514 (VCV000898514.9), dbSNP rs759276455, ClinGen allele CA1721605.